The following is an entry in ClinVar:

NM_144670.6(A2ML1):c.900del (p.Phe301fs)

Gene: A2ML1 (alpha-2-macroglobulin like 1; plus strand). Cytogenetic location: 12p13.31.
Variant type: Deletion.
Coding change: c.900del on transcript NM_144670.6 (MANE Select); coding-DNA position 900, one base deleted (C; older notation c.900delC).
Protein change: p.Phe301fs; shifts the reading frame from phenylalanine 301.
Molecular consequence: frameshift variant.
Genome position (GRCh38, 1-based): chr12:8,838,380, C deleted; the last of 2 consecutive C bases (chr12:8,838,379-8,838,380); deleting either gives the same sequence. VCF-style (leftmost placement, unchanged base first): chr12-8838378-AC-A. GRCh37 (hg19) VCF-style: chr12-8990974-AC-A.
Other names: short protein forms F301fs.
Identifiers: ClinVar variation 3649885 (VCV003649885.2).

ClinVar aggregate classification (germline): Uncertain significance (1 of 4 stars; one submission).

Submission:

Labcorp Genetics (formerly Invitae), Labcorp
Classification: Uncertain significance. Last evaluated: 2024-04-15. Review status: criteria provided, single submitter. Criteria: Invitae Variant Classification Sherloc (09022015). Collection method: clinical testing. Allele origin: germline.
Comment: This sequence change creates a premature translational stop signal (p.Phe301Leufs*42) in the A2ML1 gene. It is expected to result in an absent or disrupted protein product. However, the current clinical and genetic evidence is not sufficient to establish whether loss-of-function variants in A2ML1 cause disease. This variant is present in population databases (rs771580168, gnomAD 0.003%). This variant has not been reported in the literature in individuals affected with A2ML1-related conditions. In summary, the available evidence is currently insufficient to determine the role of this variant in disease. Therefore, it has been classified as a Variant of Uncertain Significance.